The following is an entry in ClinVar:

ClinVar aggregate classification (germline): Uncertain significance (1 of 4 stars; one submission).

Conditions:
Hypertrophic cardiomyopathy. Also called: HYPERTROPHIC MYOCARDIOPATHY. Identifiers: Orphanet 217569, MedGen C0007194, MeSH D002312, MONDO:0005045, HP:0001639.

gnomAD v4.1: 1 of 1,614,120 alleles (0.000062%); no homozygotes.

Submission:

All of Us Research Program, National Institutes of Health
Classification: Uncertain significance for Hypertrophic cardiomyopathy. Last evaluated: 2023-06-28. Review status: criteria provided, single submitter. Criteria: ACMG Guidelines, 2015. Collection method: clinical testing. Allele origin: germline. Inheritance: Autosomal dominant inheritance. Observed: 1 variant allele, 1 heterozygote.
Comment: This study involves interpretation of variants in research participants for the purpose of population health screening. Participant phenotype was not available at the time of variant classification. Additional details can be found in publication PMID: 35346344, PMCID: PMC8962531

NM_000258.3(MYL3):c.74C>A (p.Pro25His)

Gene: MYL3 (myosin light chain 3; minus strand). Cytogenetic location: 3p21.31.
Variant type: single nucleotide variant.
Coding change: c.74C>A on transcript NM_000258.3 (MANE Select); coding-DNA position 74, C replaced by A.
Protein change: p.Pro25His; replaces proline 25 with histidine.
Molecular consequence: missense variant.
Genome position (GRCh38, 1-based): chr3:46,863,317, G>T on the plus strand (C>A on the coding strand, the complement: MYL3 is on the minus strand). VCF-style: chr3-46863317-G-T. GRCh37 (hg19) VCF-style: chr3-46904807-G-T.
Other names: c.74C>A, p.Pro25His (NM_001406937.1, NM_001406938.1, NM_001406939.1); short protein forms P25H.
Identifiers: ClinVar variation 3071755 (VCV003071755.1), dbSNP rs2544971914, ClinGen allele CA352499674.
Genomic context (GRCh38, chr3:46,863,317, plus strand): 5'-CCCACCTTGATCTTGGAAGCATCAAACTCGACCTCCTTAGGGCGCTCAGGCTCAGGGGGA[G>T]GTGCGGGAGCTGGAGCTGCCTTGGGGGCTGCCTTGGCATCATCCTTCTTGGGCTCTGGCT-3'
Protein context (NP_000249.1, residues 15-35): AAPKAAPAPA[Pro25His]PPEPERPKEV